The following is an entry in ClinVar:

NM_000260.4(MYO7A):c.232G>C (p.Glu78Gln)

Gene: MYO7A (myosin VIIA; plus strand). Cytogenetic location: 11q13.5.
Variant type: single nucleotide variant.
Coding change: c.232G>C on transcript NM_000260.4 (MANE Select); coding-DNA position 232, G replaced by C.
Protein change: p.Glu78Gln; replaces glutamic acid 78 with glutamine.
Molecular consequence: missense variant.
Genome position (GRCh38, 1-based): chr11:77,147,897, G>C. VCF-style: chr11-77147897-G-C. GRCh37 (hg19) VCF-style: chr11-76858943-G-C.
Other names: c.232G>C, p.Glu78Gln (NM_001127180.2); c.199G>C, p.Glu67Gln (NM_001369365.1); short protein forms E78Q, E67Q.
Identifiers: ClinVar variation 4749112 (VCV004749112.1).

ClinVar aggregate classification (germline): Uncertain significance (1 of 4 stars; one submission).

gnomAD v4.1: 1 of 1,587,100 alleles (0.000063%); highest among the groups gnomAD compares: South Asian, 0.0012%; no homozygotes.

Submission:

Labcorp Genetics (formerly Invitae), Labcorp
Classification: Uncertain significance. Last evaluated: 2025-04-17. Review status: criteria provided, single submitter. Criteria: Invitae Variant Classification Sherloc (09022015). Collection method: clinical testing. Allele origin: germline.
Comment: This sequence change replaces glutamic acid, which is acidic and polar, with glutamine, which is neutral and polar, at codon 78 of the MYO7A protein (p.Glu78Gln). This variant is not present in population databases (gnomAD no frequency). This variant has not been reported in the literature in individuals affected with MYO7A-related conditions. Invitae Evidence Modeling of protein sequence and biophysical properties (such as structural, functional, and spatial information, amino acid conservation, physicochemical variation, residue mobility, and thermodynamic stability) has been performed for this missense variant. However, the output from this modeling did not meet the statistical confidence thresholds required to predict the impact of this variant on MYO7A protein function. In summary, the available evidence is currently insufficient to determine the role of this variant in disease. Therefore, it has been classified as a Variant of Uncertain Significance.